The following is an entry in ClinVar:

ClinVar aggregate classification (germline): Pathogenic. Review status: reviewed by expert panel (3 of 4 stars). 5 submissions from 5 submitters: Pathogenic (1). 4 of the submissions do not count toward it. Last evaluated 2016-09-08.

Conditions:
Hereditary cancer-predisposing syndrome. Also called: Hereditary Cancer Syndrome; Hereditary neoplastic syndrome; Neoplastic Syndromes, Hereditary; Tumor predisposition. Identifiers: Orphanet 140162, MedGen C0027672, MeSH D009386, MONDO:0015356.
Breast-ovarian cancer, familial, susceptibility to, 1 (BROVCA1). Also called: BRCA1 Hereditary Breast and Ovarian Cancer; OVARIAN CANCER, SUSCEPTIBILITY TO. Identifiers: Orphanet 145, MedGen C2676676, MONDO:0011450, OMIM 604370. Disease mechanism: loss of function.

Submissions (5):

Evidence-based Network for the Interpretation of Germline Mutant Alleles (ENIGMA)
Classification: Pathogenic for Breast-ovarian cancer, familial, susceptibility to, 1. Last evaluated: 2016-09-08. Review status: reviewed by expert panel. Criteria: ENIGMA BRCA1/2 Classification Criteria (2015). Collection method: curation. Allele origin: germline.
Comment: Variant allele predicted to encode a truncated non-functional protein.

Molecular Diagnostics Laboratory, Catalan Institute of Oncology
Classification: Pathogenic for Hereditary cancer-predisposing syndrome. Last evaluated: 2024-09-17. Review status: criteria provided, single submitter. Criteria: ClinGen BRCA1BRCA2 ACMG Specifications BRCA1 V1.0.0. Collection method: clinical testing. Allele origin: germline. Not counted in ClinVar's aggregate classification.
Comment: PVS1, PM5_Strong c.4195_4196del, located in exon 12 (13 according BIC nomenclature) of the BRCA1 gene, consists in the deletion of 2 nucleotides, causing a translational frameshift with a predicted alternate stop codon p.(Thr1399Hisfs*4). This alteration is expected to result in loss of function by premature protein truncation and nonsense-mediated mRNA decay (PVS1).It is not present in the population database gnomAD v2.1.1, non-cancer dataset. To our knowledge, no well-established functional studies have been reported for this variant. It has been reported in a cancer-affected individuals (PMID:12955716, and data from our internal cohort of patients). This variant has been reported in the ClinVar database (3x pathogenic), and in the LOVD database (3x pathogenic) and in BRCA Exchange database (classified as pathogenic). This variant creates a protein termination codon (PTC) in an exon where a different proven pathogenic PTC variant has been seen before (PM5_PTC_S). Based on currently available information, the variant c.4195_4196del should be considered a pathogenic variant.

Ambry Genetics
Classification: Pathogenic for Hereditary cancer-predisposing syndrome. Last evaluated: 2023-03-30. Review status: criteria provided, single submitter. Criteria: Ambry Variant Classification Scheme 2023. Collection method: clinical testing. Allele origin: germline. Not counted in ClinVar's aggregate classification.
Comment: The c.4195_4196delAC pathogenic mutation, located in coding exon 11 of the BRCA1 gene, results from a deletion of two nucleotides at nucleotide positions 4195 to 4196, causing a translational frameshift with a predicted alternate stop codon (p.T1399Hfs*4). This mutation, designated 4314_4315delAC, has been reported in 1/624 Spanish patients and families with breast and/or ovarian cancer (D&iacute;ez O et al. Hum. Mutat., 2003 Oct;22:301-12). In addition to the clinical data presented in the literature, this alteration is expected to result in loss of function by premature protein truncation or nonsense-mediated mRNA decay. As such, this alteration is interpreted as a disease-causing mutation.

Consortium of Investigators of Modifiers of BRCA1/2 (CIMBA), c/o University of Cambridge
Classification: Pathogenic for Breast-ovarian cancer, familial, susceptibility to, 1. Last evaluated: 2015-10-02. Review status: criteria provided, single submitter. Criteria: CIMBA Mutation Classification guidelines May 2016. Collection method: clinical testing. Allele origin: germline. Not counted in ClinVar's aggregate classification.

Breast Cancer Information Core (BIC) (BRCA1)
Classification: Pathogenic for Breast-ovarian cancer, familial 1. Last evaluated: 2002-05-29. Review status: no assertion criteria provided. Collection method: clinical testing. Allele origin: germline. Affected: yes. Observed: 2 variant alleles. Not counted in ClinVar's aggregate classification.

Literature cited by the submitters: PubMed 12955716 (cited by Ambry Genetics); PubMed 18528753 (cited by Ambry Genetics); PubMed 29446198 (cited by Ambry Genetics).

NM_007294.4(BRCA1):c.4195_4196del (p.Thr1399fs)

Gene: BRCA1 (BRCA1 DNA repair associated; minus strand). Cytogenetic location: 17q21.31.
Variant type: Deletion.
Coding change: c.4195_4196del on transcript NM_007294.4 (MANE Select); coding-DNA positions 4195 to 4196, 2 bases deleted (AC; older notation c.4195_4196delAC).
Protein change: p.Thr1399fs; shifts the reading frame from threonine 1399.
Molecular consequence: frameshift variant. On other transcripts: non-coding transcript variant (1).
Genome position (GRCh38, 1-based): chr17:43,082,565-43,082,566, GT deleted on the plus strand (AC on the coding strand, the reverse complement: BRCA1 is on the minus strand). VCF-style (leftmost placement, unchanged base first): chr17-43082564-GGT-G. GRCh37 (hg19) VCF-style: chr17-41234581-GGT-G.
Other names: 4314delAC; c.3931_3932delAC, p.Thr1311Hisfs (NM_001407921.1, NM_001407922.1, NM_001407923.1 and 7 more transcripts); c.3928_3929delAC, p.Thr1310Hisfs (NM_001407930.1, NM_001407931.1, NM_001407932.1 and 3 more transcripts); c.3925_3926delAC, p.Thr1309Hisfs (NM_001407934.1); c.4072_4073delAC, p.Thr1358Hisfs (NM_001407937.1, NM_001407938.1, NM_001407939.1 and 13 more transcripts); c.4069_4070delAC, p.Thr1357Hisfs (NM_001407940.1, NM_001407941.1, NM_001407649.1 and 12 more transcripts); c.4054_4055delAC, p.Thr1352Hisfs (NM_001407942.1, NM_001407944.1, NM_001407945.1 and 22 more transcripts); c.4051_4052delAC, p.Thr1351Hisfs (NM_001407943.1, NM_001407964.1, NM_001407740.1 and 23 more transcripts); and 55 more; short protein forms T1352fs, T1399fs, T296fs.
Identifiers: ClinVar variation 55136 (VCV000055136.11), dbSNP rs80357649, ClinGen allele CA002702.